The following is an entry in ClinVar:

NM_006206.6(PDGFRA):c.900A>G (p.Lys300=)

Gene: PDGFRA (platelet derived growth factor receptor alpha; plus strand). Cytogenetic location: 4q12.
Variant type: single nucleotide variant.
Coding change: c.900A>G on transcript NM_006206.6 (MANE Select); coding-DNA position 900, A replaced by G.
Protein change: p.Lys300=; no amino-acid change (lysine 300 retained).
Molecular consequence: synonymous variant.
Genome position (GRCh38, 1-based): chr4:54,267,429, A>G. VCF-style: chr4-54267429-A-G. GRCh37 (hg19) VCF-style: chr4-55133596-A-G.
Other names: c.900A>G, p.Lys300= (NM_001347827.2, NM_001347829.2); c.975A>G, p.Lys325= (NM_001347828.2); c.939A>G, p.Lys313= (NM_001347830.2); c.900A>G (NM_006206.5).
Identifiers: ClinVar variation 703784 (VCV000703784.13), dbSNP rs140632903, ClinGen allele CA96851999.

ClinVar aggregate classification (germline): Benign/Likely benign. Review status: criteria provided, multiple submitters, no conflicts (2 of 4 stars). 4 submissions from 4 submitters: Benign (1); Likely benign (2). 1 of the submissions does not count toward it. Last evaluated 2026-06-16.

Conditions:
Hereditary cancer-predisposing syndrome. Also called: Neoplastic Syndromes, Hereditary; Hereditary Cancer Syndrome; Hereditary neoplastic syndrome; Tumor predisposition. Identifiers: Orphanet 140162, MedGen C0027672, MeSH D009386, MONDO:0015356.
Polyps, multiple and recurrent inflammatory fibroid, gastrointestinal. Identifiers: MedGen C5193005, MONDO:0008285, OMIM 175510.
PDGFRA-related disorder. Also called: PDGFRA-related condition.
Gastrointestinal stromal tumor. Also called: Gastrointestinal stromal tumor, somatic; Gastrointestinal stroma tumor. Identifiers: Orphanet 44890, MedGen C0238198, MeSH D046152, MONDO:0011719, OMIM 606764, HP:0100723.

Allele frequency attached by ClinVar (database versions not stated): gnomAD exomes below 0.00001; ESP Exome Variant Server 0.00008.
gnomAD v4.1: 3 of 1,614,230 alleles (0.00019%); highest among the groups gnomAD compares: Non-Finnish European, 0.00017%; no homozygotes.

Submissions (4):

Myriad Genetics, Inc.
Classification: Benign for Polyps, multiple and recurrent inflammatory fibroid, gastrointestinal. Last evaluated: 2026-06-16. Review status: criteria provided, single submitter. Criteria: Myriad Autosomal Dominant, Autosomal Recessive and X-Linked Classification Criteria (2023). Collection method: clinical testing. Allele origin: unknown.
Comment: This variant is considered benign. This variant is a silent/synonymous amino acid change and it is not expected to impact splicing.

Labcorp Genetics (formerly Invitae), Labcorp
Classification: Likely benign for Gastrointestinal stromal tumor. Last evaluated: 2025-05-05. Review status: criteria provided, single submitter. Criteria: Invitae Variant Classification Sherloc (09022015). Collection method: clinical testing. Allele origin: germline.

Ambry Genetics
Classification: Likely benign for Hereditary cancer-predisposing syndrome. Last evaluated: 2019-10-05. Review status: criteria provided, single submitter. Criteria: Ambry Variant Classification Scheme 2023. Collection method: clinical testing. Allele origin: germline.

PreventionGenetics, part of Exact Sciences
Classification: Likely benign for PDGFRA-related condition. Last evaluated: 2020-08-11. Review status: no assertion criteria provided. Collection method: clinical testing. Allele origin: germline. Not counted in ClinVar's aggregate classification.
Comment: This variant is classified as likely benign based on ACMG/AMP sequence variant interpretation guidelines (Richards et al. 2015 PMID: 25741868, with internal and published modifications).